The following is an entry in ClinVar:

ClinVar aggregate classification (germline): Uncertain significance (0 of 4 stars; one submission).

Allele frequency attached by ClinVar (database versions not stated): TOPMed below 0.00001; gnomAD exomes 0.00001 and 0.00002; ExAC 0.00004.
gnomAD v4.1: 7 of 1,614,022 alleles (0.00043%); highest among the groups gnomAD compares: Non-Finnish European, 0.00059%; no homozygotes.

Submission:

Department of Pathology and Laboratory Medicine, Sinai Health System
Classification: Uncertain significance. Review status: no assertion criteria provided. Collection method: clinical testing. Allele origin: unknown. Affected: yes. Study: The Canadian Open Genetics Repository (COGR).
Comment: The FAT1 p.Leu3612Ile variant was not identified in the literature nor was it identified in ClinVar, Cosmic, or LOVD 3.0. The variant was identified in dbSNP (ID: rs764024153) and in control databases in 6 of 249326 chromosomes at a frequency of 0.000024 (Genome Aggregation Database Feb 27, 2017). The variant was observed in the following population: European (non-Finnish) in 6 of 113018 chromosomes (freq: 0.000053); it was not observed in the African, Latino, Ashkenazi Jewish, East Asian, European (Finnish), Other and South Asian populations. The variant occurs outside of the splicing consensus sequence and in silico or computational prediction software programs (SpliceSiteFinder, MaxEntScan, NNSPLICE, and GeneSplicer) do not predict a difference in splicing. The p.Leu3612 residue is conserved in mammals however computational analyses (PolyPhen-2, SIFT, AlignGVGD, BLOSUM, and MutationTaster) provide inconsistent predictions regarding the impact to the protein; this information is not very predictive of pathogenicity. In summary, based on the above information the clinical significance of this variant cannot be determined with certainty at this time. This variant is classified as a variant of uncertain significance.

NM_005245.4(FAT1):c.10834C>A (p.Leu3612Ile)

Genes: FAT1 (FAT atypical cadherin 1; minus strand), LOC126807254 (BRD4-independent group 4 enhancer GRCh37_chr4:187524269-187525468; plus strand). Cytogenetic location: 4q35.2.
Variant type: single nucleotide variant.
Coding change: c.10834C>A on transcript NM_005245.4 (MANE Select); coding-DNA position 10834, C replaced by A.
Protein change: p.Leu3612Ile; replaces leucine 3612 with isoleucine.
Molecular consequence: missense variant.
Genome position (GRCh38, 1-based): chr4:186,603,692, G>T on the plus strand (C>A on the coding strand, the complement: FAT1 is on the minus strand). VCF-style: chr4-186603692-G-T. GRCh37 (hg19) VCF-style: chr4-187524846-G-T.
Other names: short protein forms L3612I.
Identifiers: ClinVar variation 1050106 (VCV001050106.1), dbSNP rs764024153, ClinGen allele CA3165258.
Genomic context (GRCh38, chr4:186,603,692, plus strand): 5'-TGATATGCACTGTGATGTCGGCCACCGTCGTGAACTTCCCATCTGTTACGCTGACATTGA[G>T]AAGGTATTGCCCTATGTCTAGCTTTTTGTGTGCTATCAGCTTGCCCCCTGTGCTGGAAAC-3'
Protein context (NP_005236.2, residues 3602-3622): HKKLDIGQYL[Leu3612Ile]NVSVTDGKFT